The following is an entry in ClinVar:

ClinVar aggregate classification (germline): Uncertain significance (1 of 4 stars; one submission).

Submission:

Ambry Genetics
Classification: Uncertain significance. Last evaluated: 2025-01-16. Review status: criteria provided, single submitter. Criteria: Ambry Variant Classification Scheme 2023. Collection method: clinical testing. Allele origin: germline.
Comment: The p.Q674K variant (also known as c.2020C>A), located in coding exon 8 of the WNK2 gene, results from a C to A substitution at nucleotide position 2020. The glutamine at codon 674 is replaced by lysine, an amino acid with similar properties. This amino acid position is conserved. In addition, the in silico prediction for this alteration is inconclusive. Based on the available evidence, the clinical significance of this variant remains unclear.

NM_006648.4(WNK2):c.2020C>A (p.Gln674Lys)

Gene: WNK2 (WNK lysine deficient protein kinase 2; plus strand). Cytogenetic location: 9q22.31.
Variant type: single nucleotide variant.
Coding change: c.2020C>A on transcript NM_006648.4 (MANE Select); coding-DNA position 2020, C replaced by A.
Protein change: p.Gln674Lys; replaces glutamine 674 with lysine.
Molecular consequence: missense variant.
Genome position (GRCh38, 1-based): chr9:93,253,068, C>A. VCF-style: chr9-93253068-C-A. GRCh37 (hg19) VCF-style: chr9-96015350-C-A.
Other names: c.2020C>A, p.Gln674Lys (NM_001282394.3); short protein forms Q674K.
Identifiers: ClinVar variation 3816852 (VCV003816852.1).
Genomic context (GRCh38, chr9:93,253,068, plus strand): 5'-CCCCCTGTGAGCGAGGGGCCCGTCCTGCCGCAGAGCCTGCCCTCGCTGGGGGCCTACCAG[C>A]AGCCCACGGCTGCAGTGAGTCAGAGCATCACTCCCACCCCCTTCCCCATCCCCATTACCT-3'
Protein context (NP_006639.3, residues 664-684): QSLPSLGAYQ[Gln674Lys]PTAAPGLPVG